The following is an entry in ClinVar:

NM_000384.3(APOB):c.2968G>T (p.Ala990Ser)

Gene: APOB (apolipoprotein B; minus strand). Cytogenetic location: 2p24.1.
Variant type: single nucleotide variant.
Coding change: c.2968G>T on transcript NM_000384.3 (MANE Select); coding-DNA position 2968, G replaced by T.
Protein change: p.Ala990Ser; replaces alanine 990 with serine.
Molecular consequence: missense variant.
Genome position (GRCh38, 1-based): chr2:21,019,754, C>A on the plus strand (G>T on the coding strand, the complement: APOB is on the minus strand). VCF-style: chr2-21019754-C-A. GRCh37 (hg19) VCF-style: chr2-21242626-C-A.
Other names: short protein forms A990S.
Identifiers: ClinVar variation 3417047 (VCV003417047.2).

ClinVar aggregate classification (germline): Uncertain significance (1 of 4 stars; one submission).

Conditions:
Cardiovascular phenotype. Identifiers: MedGen CN230736.

Submission:

Ambry Genetics
Classification: Uncertain significance for Cardiovascular phenotype. Last evaluated: 2026-09-11. Review status: criteria provided, single submitter. Criteria: Ambry Variant Classification Scheme 2023. Collection method: clinical testing. Allele origin: germline.
Comment: The p.A990S variant (also known as c.2968G>T), located in coding exon 19 of the APOB gene, results from a G to T substitution at nucleotide position 2968. The alanine at codon 990 is replaced by serine, an amino acid with similar properties. This amino acid position is conserved. In addition, this alteration is predicted to be tolerated by in silico analysis. Based on the available evidence, the clinical significance of this variant remains unclear.